The following is an entry in ClinVar:

ClinVar aggregate classification (germline): Uncertain significance (1 of 4 stars; one submission).

Conditions:
Idiopathic generalized epilepsy. Also called: Generalised epilepsy; EIG. Identifiers: MedGen C0270850, MONDO:0005579, OMIM 600669.

Submission:

Labcorp Genetics (formerly Invitae), Labcorp
Classification: Uncertain significance for Idiopathic generalized epilepsy. Last evaluated: 2023-12-21. Review status: criteria provided, single submitter. Criteria: Invitae Variant Classification Sherloc (09022015). Collection method: clinical testing. Allele origin: germline.
Comment: This sequence change creates a premature translational stop signal (p.Arg154*) in the RBFOX1 gene. It is expected to result in an absent or disrupted protein product. However, the current clinical and genetic evidence is not sufficient to establish whether loss-of-function variants in RBFOX1 cause disease. This variant is not present in population databases (gnomAD no frequency). This variant has not been reported in the literature in individuals affected with RBFOX1-related conditions. In summary, the available evidence is currently insufficient to determine the role of this variant in disease. Therefore, it has been classified as a Variant of Uncertain Significance.

NM_018723.4(RBFOX1):c.400A>T (p.Arg134Ter)

Genes: RBFOX1 (RNA binding fox-1 homolog 1; plus strand), LOC126862278 (CDK7 strongly-dependent group 2 enhancer GRCh37_chr16:7629446-7630645; plus strand). Cytogenetic location: 16p13.3.
Variant type: single nucleotide variant.
Coding change: c.400A>T on transcript NM_018723.4 (MANE Select); coding-DNA position 400, A replaced by T.
Protein change: p.Arg134Ter; replaces arginine 134 with a stop codon.
Molecular consequence: nonsense.
Genome position (GRCh38, 1-based): chr16:7,579,906, A>T. VCF-style: chr16-7579906-A-T. GRCh37 (hg19) VCF-style: chr16-7629908-A-T.
Other names: c.529A>T, p.Arg177Ter (NM_001415891.1, NM_001415895.1, NM_001415897.1 and 5 more transcripts); c.508A>T, p.Arg170Ter (NM_001415892.1, NM_001415894.1, NM_001415898.1 and 5 more transcripts); c.475A>T, p.Arg159Ter (NM_001415893.1, NM_001415899.1, NM_001415890.1 and 4 more transcripts); c.460A>T, p.Arg154Ter (NM_001415896.1, NM_001415904.1, NM_001415906.1 and 4 more transcripts); c.400A>T, p.Arg134Ter (NM_001142333.2, NM_001142334.2, NM_001364800.2 and 1 more transcripts); c.997A>T, p.Arg333Ter (NM_001415887.1, NM_001415888.1); c.406A>T, p.Arg136Ter (NM_001415902.1, NM_001415911.1, NM_001415917.1); short protein forms R154*, R170*, R159*, R134*, R136*, R177*, R333*.
Identifiers: ClinVar variation 2704749 (VCV002704749.3), dbSNP rs2509359590, ClinGen allele CA394682594.